The following is an entry in ClinVar:

ClinVar aggregate classification (germline): Pathogenic (1 of 4 stars; one submission).

Conditions:
Waardenburg syndrome type 4C (WS4C). Also called: WAARDENBURG SYNDROME WITH HIRSCHSPRUNG DISEASE, TYPE 4C. Identifiers: Orphanet 897, MedGen C2750452, MONDO:0013202, OMIM 613266.

Submission:

Institute of Rare Diseases, West China Hospital, Sichuan University
Classification: Pathogenic for Waardenburg syndrome type 4C. Last evaluated: 2025-01-09. Review status: criteria provided, single submitter. Criteria: ClinGen HL ACMG Specifications v1. Collection method: research. Allele origin: germline. Affected: yes.
Comment: PM1;PVS1;PM2_Supporting

NM_006941.4(SOX10):c.272_275dup (p.Val94fs)

Genes: POLR2F (RNA polymerase II, I and III subunit F; plus strand), SOX10 (SRY-box transcription factor 10; minus strand). Cytogenetic location: 22q13.1.
Variant type: Duplication.
Coding change: c.272_275dup on transcript NM_006941.4 (MANE Select); coding-DNA positions 272 to 275, 4 bases duplicated (CCGT; older notation c.272_275dupCCGT).
Protein change: p.Val94fs; shifts the reading frame from valine 94.
Molecular consequence: frameshift variant. On other transcripts: intron variant (3).
Genome position (GRCh38, 1-based): chr22:37,983,510-37,983,513, ACGG duplicated on the plus strand (CCGT on the coding strand, the reverse complement: SOX10 is on the minus strand). VCF-style (leftmost placement, unchanged base first): chr22-37983509-C-CACGG. GRCh37 (hg19) VCF-style: chr22-38379516-C-CACGG.
Other names: c.*38+11200_*38+11203dup (NM_001363825.1); c.294-2644_294-2641dup (NM_001301130.2); c.293+16340_293+16343dup (NM_001301131.2); short protein forms V94fs.
Identifiers: ClinVar variation 3601815 (VCV003601815.1).
Genomic context (GRCh38, chr22:37,983,509, plus strand): 5'-CATGAAGGCGTTCATGGGCCGCTTGACGTGCGGCTTGCTTTTGCTGGCGCCGTTGACGCG[C>CACGG]ACGGGCATGGGCACCAGCGTCCAGTCGTAGCCGCTGAGCACCTGGCTGACGGCCTCGCGG-3'